The following is an entry in ClinVar:

ClinVar aggregate classification (germline): Likely pathogenic (1 of 4 stars; one submission).

Conditions:
Hereditary cancer-predisposing syndrome. Also called: Neoplastic Syndromes, Hereditary; Tumor predisposition; Hereditary neoplastic syndrome; Hereditary Cancer Syndrome. Identifiers: Orphanet 140162, MedGen C0027672, MeSH D009386, MONDO:0015356.

Submission:

Ambry Genetics
Classification: Likely pathogenic for Hereditary cancer-predisposing syndrome. Last evaluated: 2019-06-29. Review status: criteria provided, single submitter. Criteria: Ambry Variant Classification Scheme 2023. Collection method: clinical testing. Allele origin: germline.
Comment: The p.C243F variant (also known as c.728G>T), located in coding exon 7 of the SDHB gene, results from a G to T substitution at nucleotide position 728. The cysteine at codon 243 is replaced by phenylalanine, an amino acid with highly dissimilar properties. Different alterations at the same position (p.C243R, p.C243S, and p.C243Y) have been identified in individuals with paraganglioma-pheochromocytoma (PGL-PCC) syndrome (Korpershoek E et al. Endocr. Relat. Cancer, 2007 Jun;14:453-62; Sue M et al. Eur. J. Endocrinol., 2015 Feb;172:89-95; Pat&oacute;cs A et al. Pathol. Oncol. Res., 2016 Oct;22:673-9; Ambry internal data). This cysteine residue acts as the 3Fe-4S ligand, and any missense substitution at this position is expected to prevent proper assembly of complex II (Iverson TM et al. J. Biol. Chem., 2012 Oct;287:35430-8). This variant was not reported in population-based cohorts in the Genome Aggregation Database (gnomAD). This amino acid position is highly conserved in available vertebrate species. In addition, this alteration is predicted to be deleterious by in silico analysis. Based on the majority of available evidence to date, this variant is likely to be pathogenic.

NM_003000.3(SDHB):c.728G>T (p.Cys243Phe)

Gene: SDHB (succinate dehydrogenase complex iron sulfur subunit B; minus strand). Cytogenetic location: 1p36.13.
Variant type: single nucleotide variant.
Coding change: c.728G>T on transcript NM_003000.3 (MANE Select); coding-DNA position 728, G replaced by T.
Protein change: p.Cys243Phe; replaces cysteine 243 with phenylalanine.
Molecular consequence: missense variant.
Genome position (GRCh38, 1-based): chr1:17,022,645, C>A on the plus strand (G>T on the coding strand, the complement: SDHB is on the minus strand). VCF-style: chr1-17022645-C-A. GRCh37 (hg19) VCF-style: chr1-17349140-C-A.
Other names: short protein forms C243F.
Identifiers: ClinVar variation 826947 (VCV000826947.4), dbSNP rs1570944788, ClinGen allele CA338270182.